The following is an entry in ClinVar:

NM_000166.6(GJB1):c.110T>A (p.Val37Glu)

Gene: GJB1 (gap junction protein beta 1; plus strand). Cytogenetic location: Xq13.1.
Variant type: single nucleotide variant.
Coding change: c.110T>A on transcript NM_000166.6 (MANE Select); coding-DNA position 110, T replaced by A.
Protein change: p.Val37Glu; replaces valine 37 with glutamic acid.
Molecular consequence: missense variant.
Genome position (GRCh38, 1-based): chrX:71,223,817, T>A. VCF-style: chrX-71223817-T-A. GRCh37 (hg19) VCF-style: chrX-70443667-T-A.
Other names: c.110T>A, p.Val37Glu (NM_001097642.3); short protein forms V37E.
Identifiers: ClinVar variation 2830135 (VCV002830135.3), dbSNP rs2519797766, ClinGen allele CA413500959.

ClinVar aggregate classification (germline): Uncertain significance (1 of 4 stars; one submission).

Conditions:
Charcot-Marie-Tooth Neuropathy X. Identifiers: MedGen CN118851.

Submission:

Labcorp Genetics (formerly Invitae), Labcorp
Classification: Uncertain significance for Charcot-Marie-Tooth Neuropathy X. Last evaluated: 2023-01-19. Review status: criteria provided, single submitter. Criteria: Invitae Variant Classification Sherloc (09022015). Collection method: clinical testing. Allele origin: germline.
Comment: This sequence change replaces valine, which is neutral and non-polar, with glutamic acid, which is acidic and polar, at codon 37 of the GJB1 protein (p.Val37Glu). This variant is not present in population databases (gnomAD no frequency). This variant has not been reported in the literature in individuals affected with GJB1-related conditions. In summary, the available evidence is currently insufficient to determine the role of this variant in disease. Therefore, it has been classified as a Variant of Uncertain Significance. This variant disrupts the p.Val37 amino acid residue in GJB1. Other variant(s) that disrupt this residue have been determined to be pathogenic (PMID: 16096811, 21291455, 22243284, 28448691). This suggests that this residue is clinically significant, and that variants that disrupt this residue are likely to be disease-causing. Advanced modeling of protein sequence and biophysical properties (such as structural, functional, and spatial information, amino acid conservation, physicochemical variation, residue mobility, and thermodynamic stability) performed at Invitae indicates that this missense variant is expected to disrupt GJB1 protein function.

Literature cited by the submitters: PubMed 16096811; PubMed 21291455; PubMed 22243284; PubMed 28448691.